The following is an entry in ClinVar:

ClinVar aggregate classification (germline): Pathogenic (1 of 4 stars; one submission).

Conditions:
Wiedemann-Steiner syndrome (WDSTS). Also called: Growth deficiency and mental retardation with facial dysmorphism. Identifiers: Orphanet 319182, MedGen C1854630, MONDO:0011518, OMIM 605130.

Submission:

Victorian Clinical Genetics Services, Murdoch Childrens Research Institute
Classification: Pathogenic for Wiedemann-Steiner syndrome. Last evaluated: 2025-05-07. Review status: criteria provided, single submitter. Criteria: ACMG Guidelines, 2015. Collection method: clinical testing. Allele origin: germline. Affected: yes.
Comment: This variant is classified as Pathogenic. Evidence in support of pathogenic classification: Variant is predicted to cause nonsense-mediated decay (NMD) and loss of protein (premature termination codon is located at least 54 nucleotides upstream of the final exon-exon junction); Variant is absent from gnomAD (v2, v3 and v4); Other NMD-predicted variants comparable to the one identified in this case have very strong previous evidence for pathogenicity (DECIPHER); Additional information: This variant is heterozygous; This gene is associated with autosomal dominant disease; Loss of function is a known mechanism of disease in this gene and is associated with Wiedemann-Steiner syndrome (MIM#605130).

NM_001197104.2(KMT2A):c.4762del (p.Cys1588fs)

Gene: KMT2A (lysine methyltransferase 2A; plus strand). Cytogenetic location: 11q23.3.
Variant type: Deletion.
Coding change: c.4762del on transcript NM_001197104.2 (MANE Select); coding-DNA position 4762, one base deleted (T; older notation c.4762delT).
Protein change: p.Cys1588fs; shifts the reading frame from cysteine 1588.
Molecular consequence: frameshift variant.
Genome position (GRCh38, 1-based): chr11:118,491,261, T deleted. VCF-style (leftmost placement, unchanged base first): chr11-118491260-AT-A. GRCh37 (hg19) VCF-style: chr11-118361975-AT-A.
Other names: c.4861del, p.Cys1621fs (NM_001412597.1); c.4762del, p.Cys1588fs (NM_005933.4); short protein forms C1588fs, C1621fs.
Identifiers: ClinVar variation 4531749 (VCV004531749.1).
Genomic context (GRCh38, chr11:118,491,260, plus strand): 5'-CTTCTGCCCTCTCTGTGACAAATGTTATGATGATGATGACTATGAGAGTAAGATGATGCA[AT>A]GTGGAAAGTGTGATCGCTGGGTCCATTCCAAATGTGAGAATCTTTCAGGTACAGAAGGTT-3'